The following is an entry in ClinVar:

NM_000784.4(CYP27A1):c.11_20dup (p.Arg8fs)

Gene: CYP27A1 (cytochrome P450 family 27 subfamily A member 1; plus strand). Cytogenetic location: 2q35.
Variant type: Duplication.
Coding change: c.11_20dup on transcript NM_000784.4 (MANE Select); coding-DNA positions 11 to 20, 10 bases duplicated (TGGGCTGCGC; older notation c.11_20dupTGGGCTGCGC).
Protein change: p.Arg8fs; shifts the reading frame from arginine 8.
Molecular consequence: frameshift variant, initiator codon variant.
Genome position (GRCh38, 1-based): chr2:218,782,193-218,782,202, TGGGCTGCGC duplicated; duplicating any 10 consecutive bases within chr2:218,782,185-218,782,202 gives the same sequence; the c. name uses the placement nearest the transcript's 3' end. VCF-style (leftmost placement, unchanged base first): chr2-218782184-T-TGGCTGCGCTG. GRCh37 (hg19) VCF-style: chr2-219646907-T-TGGCTGCGCTG.
Other names: c.11_20dup10 (NM_000784.3); c.11_20dupTGGGCTGCGC (NM_000784.4, NM_000784.3); short protein forms R8fs.
Identifiers: ClinVar variation 280048 (VCV000280048.21), dbSNP rs886041342, ClinGen allele CA10602839.

ClinVar aggregate classification (germline): Pathogenic. Review status: criteria provided, multiple submitters, no conflicts (2 of 4 stars). 6 submissions from 6 submitters: Pathogenic (5). 1 of the submissions does not count toward it. Last evaluated 2026-10-14.

Conditions:
Cholestanol storage disease (CTX). Also called: CEREBRAL CHOLESTERINOSIS; CTX: Cerebrotendinous xanthomatosis; Cerebrotendinous Xanthomatosis. Identifiers: Orphanet 909, MedGen C0238052, MONDO:0008948, OMIM 213700.

Submissions (6):

GeneDx
Classification: Pathogenic. Last evaluated: 2026-10-14. Review status: criteria provided, single submitter. Criteria: GeneDx Variant Classification Process June 2021. Collection method: clinical testing. Allele origin: germline.
Comment: Frameshift variant predicted to result in protein truncation or nonsense mediated decay in a gene for which loss of function is a known mechanism of disease; Not observed at significant frequency in large population cohorts (gnomAD); This variant is associated with the following publications: (PMID: 35982159, 33057194, 17030721)

Labcorp Genetics (formerly Invitae), Labcorp
Classification: Pathogenic for Cholestanol storage disease. Last evaluated: 2026-02-03. Review status: criteria provided, single submitter. Criteria: Invitae Variant Classification Sherloc (09022015). Collection method: clinical testing. Allele origin: germline.
Comment: This sequence change creates a premature translational stop signal (p.Arg8Glyfs*176) in the CYP27A1 gene. It is expected to result in an absent or disrupted protein product. Loss-of-function variants in CYP27A1 are known to be pathogenic (PMID: 9392430, 10775536, 26937392). This variant is present in population databases (no rsID available, gnomAD 0.003%). This variant has not been reported in the literature in individuals affected with CYP27A1-related conditions. ClinVar contains an entry for this variant (Variation ID: 280048). For these reasons, this variant has been classified as Pathogenic.

Natera, Inc.
Classification: Pathogenic for Cerebrotendinous xanthomatosis. Last evaluated: 2025-10-16. Review status: criteria provided, single submitter. Criteria: Natera Variant Classification Schema (03/2026). Collection method: clinical testing. Allele origin: germline.
Comment: The c.11_20dupTGGGCTGCGC variant in CYP27A1 is a frameshift variant predicted to shift the reading frame beginning at codon 8 and leads to a stop codon 176 codons downstream. This variant is expected to result in nonsense mediated decay, truncation, or a dysfunctional protein product. This variant is rare in the general population with a frequency below the threshold expected for the associated phenotype(s). This variant has been observed in one or more individuals affected with the associated recessive disease, as either homozygous or compound heterozygous with a second variant (PMID: 17030721). Additionally, this variant has been observed to segregate in affected family members (PMID: 17030721). Given the available evidence, this variant is classified as Pathogenic.

Fulgent Genetics
Classification: Pathogenic for Cholestanol storage disease. Last evaluated: 2024-05-06. Review status: criteria provided, single submitter. Criteria: ACMG Guidelines, 2015. Collection method: clinical testing. Allele origin: germline.

Eurofins Ntd Llc (ga)
Classification: Pathogenic. Last evaluated: 2016-12-27. Review status: criteria provided, single submitter. Criteria: EGL Classification Definitions 2015. Collection method: clinical testing. Allele origin: germline. Observed: 2 variant alleles, 1 heterozygote.

Counsyl
Classification: Likely pathogenic for Cholestanol storage disease. Last evaluated: 2017-07-11. Review status: no assertion criteria provided. Collection method: clinical testing. Allele origin: unknown. Not counted in ClinVar's aggregate classification.

Literature cited by the submitters: PubMed 9392430 (cited by Labcorp Genetics (formerly Invitae), Labcorp); PubMed 10775536 (cited by Labcorp Genetics (formerly Invitae), Labcorp); PubMed 26937392 (cited by Labcorp Genetics (formerly Invitae), Labcorp); PubMed 17030721 (cited by Natera, Inc. and Counsyl).